The following is an entry in ClinVar:

ClinVar aggregate classification (germline): Uncertain significance (1 of 4 stars; one submission).

Conditions:
Familial hemophagocytic lymphohistiocytosis 3 (FHL3). Also called: UNC13D-Related Familial Hemophagocytic Lymphohistiocytosis (UNC13D-fHLH). Identifiers: Orphanet 540, MedGen C1837174, MONDO:0012146, OMIM 608898.

Allele frequency attached by ClinVar (database versions not stated): gnomAD 0.00001; ExAC 0.00006.
gnomAD v4.1: 8 of 1,613,452 alleles (0.0005%); highest among the groups gnomAD compares: East Asian, 0.018%; no homozygotes.

Submission:

Labcorp Genetics (formerly Invitae), Labcorp
Classification: Uncertain significance for Familial hemophagocytic lymphohistiocytosis 3. Last evaluated: 2022-06-19. Review status: criteria provided, single submitter. Criteria: Invitae Variant Classification Sherloc (09022015). Collection method: clinical testing. Allele origin: germline.
Comment: This sequence change falls in intron 13 of the UNC13D gene. It does not directly change the encoded amino acid sequence of the UNC13D protein. It affects a nucleotide within the consensus splice site. This variant is present in population databases (rs766217093, gnomAD 0.05%). This variant has been observed in individual(s) with hemophagocytic lymphohistiocytosis (PMID: 29665027). Variants that disrupt the consensus splice site are a relatively common cause of aberrant splicing (PMID: 17576681, 9536098). Algorithms developed to predict the effect of sequence changes on RNA splicing suggest that this variant is not likely to affect RNA splicing. In summary, the available evidence is currently insufficient to determine the role of this variant in disease. Therefore, it has been classified as a Variant of Uncertain Significance.

Literature cited by the submitters: PubMed 29665027; PubMed 17576681; PubMed 9536098.

NM_199242.3(UNC13D):c.1174-3C>G

Gene: UNC13D (unc-13 homolog D; minus strand). Cytogenetic location: 17q25.1.
Variant type: single nucleotide variant.
Coding change: c.1174-3C>G on transcript NM_199242.3 (MANE Select); 3 bases into the intron before coding-DNA position 1174, C replaced by G.
Molecular consequence: intron variant.
Genome position (GRCh38, 1-based): chr17:75,836,699, G>C on the plus strand (C>G on the coding strand, the complement: UNC13D is on the minus strand). VCF-style: chr17-75836699-G-C. GRCh37 (hg19) VCF-style: chr17-73832780-G-C.
Identifiers: ClinVar variation 2152293 (VCV002152293.1), dbSNP rs766217093, ClinGen allele CA8773090.
Genomic context (GRCh38, chr17:75,836,699, plus strand): 5'-GGATGAGGGAGAGGCCGTAGGTCAGCAGGGAGCTGAATGAGGCGGCCAGCTCCTCCTGCT[G>C]AAGAGCCAGGAGATGCTTTAGGGGCCTAGACAGCTGCTGCTGCTCCCCTGCCCCTTCCCT-3'